The following is an entry in ClinVar:

ClinVar aggregate classification (germline): Benign (1 of 4 stars; one submission).

Submission:

Women's Health and Genetics/Laboratory Corporation of America, LabCorp
Classification: Benign. Last evaluated: 2023-07-31. Review status: criteria provided, single submitter. Criteria: LabCorp Variant Classification Summary - May 2015. Collection method: clinical testing. Allele origin: germline.
Comment: Variant summary: Multinucleotide polymorphism of c.1412-9_1412-8insT (Benign/LikelyBenign in ClinVar, ID 336079) and c.1412-8C>T (Benign in ClinVar, ID 336080); no significant impact on splicing.

NM_022437.3(ABCG8):c.1412-8delinsTT

Gene: ABCG8 (ATP binding cassette subfamily G member 8; plus strand). Cytogenetic location: 2p21.
Variant type: Indel.
Coding change: c.1412-8delinsTT on transcript NM_022437.3 (MANE Select); 8 bases into the intron before coding-DNA position 1412, C replaced by TT.
Molecular consequence: intron variant.
Genome position (GRCh38, 1-based): chr2:43,874,399, C replaced by TT. VCF-style: chr2-43874399-C-TT. GRCh37 (hg19) VCF-style: chr2-44101538-C-TT.
Other names: c.1409-8delinsTT (NM_001357321.2).
Identifiers: ClinVar variation 2577153 (VCV002577153.1), dbSNP rs1553383723, ClinGen allele CA916523600.